The following is an entry in ClinVar:

NM_000219.6(KCNE1):c.*490G>C

Gene: KCNE1 (potassium voltage-gated channel subfamily E regulatory subunit 1; minus strand). Cytogenetic location: 21q22.12.
Variant type: single nucleotide variant.
Coding change: c.*490G>C on transcript NM_000219.6 (MANE Select); 490 bases downstream of the stop codon, G replaced by C.
Molecular consequence: 3 prime UTR variant.
Genome position (GRCh38, 1-based): chr21:34,448,755, C>G on the plus strand (G>C on the coding strand, the complement: KCNE1 is on the minus strand). VCF-style: chr21-34448755-C-G. GRCh37 (hg19) VCF-style: chr21-35821053-C-G.
Other names: c.*490G>C (NM_001127668.4, NM_001127669.4, NM_001127670.4 and 4 more transcripts).
Identifiers: ClinVar variation 339762 (VCV000339762.8), dbSNP rs41314067, ClinGen allele CA10644594.

ClinVar aggregate classification (germline): Benign. Review status: criteria provided, multiple submitters, no conflicts (2 of 4 stars). 4 submissions from 3 submitters: Benign (4). Last evaluated 2021-05-13.

Conditions:
Jervell and Lange-Nielsen syndrome 2 (JLNS2). Identifiers: Orphanet 768, Orphanet 90647, MedGen C2676723, MONDO:0012871, OMIM 612347.
Long QT syndrome 5 (LQT5). Identifiers: Orphanet 101016, Orphanet 768, MedGen C1867904, MONDO:0013372, OMIM 613695.

Allele frequency attached by ClinVar (database versions not stated): gnomAD exomes 0.04006; 1000 Genomes Project 0.09026; 1000 Genomes Project 30x 0.15131; gnomAD 0.15717 and 0.16321.
gnomAD v4.1: 16,011 of 103,722 alleles (15%); highest among the groups gnomAD compares: African/African-American, 32%; 5,113 homozygotes.

Submissions (4):

GeneDx
Classification: Benign. Last evaluated: 2021-05-13. Review status: criteria provided, single submitter. Criteria: GeneDx Variant Classification Process June 2021. Collection method: clinical testing. Allele origin: germline. Affected: yes.

Illumina Laboratory Services, Illumina
Classification: Benign for Jervell and Lange-Nielsen syndrome 2. Last evaluated: 2018-01-12. Review status: criteria provided, single submitter. Criteria: ICSL Variant Classification Criteria 13 December 2019. Collection method: clinical testing. Allele origin: germline.
Comment: This variant was observed in the ICSL laboratory as part of a predisposition screen in an ostensibly healthy population. It had not been previously curated by ICSL or reported in the Human Gene Mutation Database (HGMD: prior to June 1st, 2018), and was therefore a candidate for classification through an automated scoring system. Utilizing variant allele frequency, disease prevalence and penetrance estimates, and inheritance mode, an automated score was calculated to assess if this variant is too frequent to cause the disease. Based on the score and internal cut-off values, a variant classified as benign is not then subjected to further curation. The score for this variant resulted in a classification of benign for this disease.

Illumina Laboratory Services, Illumina
Classification: Benign for Long QT syndrome 5. Last evaluated: 2018-01-12. Review status: criteria provided, single submitter. Criteria: ICSL Variant Classification Criteria 13 December 2019. Collection method: clinical testing. Allele origin: germline.
Comment: the same text as in the submission from Illumina Laboratory Services, Illumina above.

Breakthrough Genomics
Classification: Benign. Review status: criteria provided, single submitter. Criteria: ACMG Guidelines, 2015. Collection method: not provided. Allele origin: germline. Inheritance: Autosomal recessive inheritance. Affected: yes.